The following is an entry in ClinVar:

NM_001036.6(RYR3):c.6775C>T (p.Pro2259Ser)

Gene: RYR3 (ryanodine receptor 3; plus strand). Cytogenetic location: 15q14.
Variant type: single nucleotide variant.
Coding change: c.6775C>T on transcript NM_001036.6 (MANE Select); coding-DNA position 6775, C replaced by T.
Protein change: p.Pro2259Ser; replaces proline 2259 with serine.
Molecular consequence: missense variant.
Genome position (GRCh38, 1-based): chr15:33,722,870, C>T. VCF-style: chr15-33722870-C-T. GRCh37 (hg19) VCF-style: chr15-34015071-C-T.
Other names: c.6775C>T, p.Pro2259Ser (NM_001243996.4); short protein forms P2259S.
Identifiers: ClinVar variation 3048200 (VCV003048200.2), dbSNP rs758364996, ClinGen allele CA391587378.

ClinVar aggregate classification (germline): Uncertain significance (0 of 4 stars; one submission).

Conditions:
RYR3-related disorder. Also called: RYR3-related condition.

Allele frequency attached by ClinVar (database versions not stated): gnomAD 0.00001; TOPMed 0.00001.
gnomAD v4.1: 8 of 1,590,098 alleles (0.0005%); highest among the groups gnomAD compares: Non-Finnish European, 0.0006%; no homozygotes.

Submission:

PreventionGenetics, part of Exact Sciences
Classification: Uncertain significance for RYR3-related condition. Last evaluated: 2024-01-22. Review status: no assertion criteria provided. Collection method: clinical testing. Allele origin: germline.
Comment: The RYR3 c.6775C>T variant is predicted to result in the amino acid substitution p.Pro2259Ser. To our knowledge, this variant has not been reported in the literature. This variant is reported in 0.00093% of alleles in individuals of European (Non-Finnish) descent in gnomAD. At this time, the clinical significance of this variant is uncertain due to the absence of conclusive functional and genetic evidence.